The following is an entry in ClinVar:

NM_021930.6(RINT1):c.1027T>A (p.Trp343Arg)

Gene: RINT1 (RAD50 interactor 1; plus strand). Cytogenetic location: 7q22.3.
Variant type: single nucleotide variant.
Coding change: c.1027T>A on transcript NM_021930.6 (MANE Select); coding-DNA position 1027, T replaced by A.
Protein change: p.Trp343Arg; replaces tryptophan 343 with arginine.
Molecular consequence: missense variant. On other transcripts: non-coding transcript variant (1).
Genome position (GRCh38, 1-based): chr7:105,550,085, T>A. VCF-style: chr7-105550085-T-A. GRCh37 (hg19) VCF-style: chr7-105190532-T-A.
Other names: c.793T>A, p.Trp265Arg (NM_001346599.2); c.4T>A, p.Trp2Arg (NM_001346600.2, NM_001346603.2); c.103T>A, p.Trp35Arg (NM_001346601.2); short protein forms W2R, W265R, W35R, W343R.
Identifiers: ClinVar variation 1363966 (VCV001363966.8), dbSNP rs760416206, ClinGen allele CA4426585.

ClinVar aggregate classification (germline): Uncertain significance (1 of 4 stars; one submission).

Allele frequency attached by ClinVar (database versions not stated): gnomAD exomes below 0.00001; ExAC 0.00001.
gnomAD v4.1: 6 of 1,613,388 alleles (0.00037%); highest among the groups gnomAD compares: South Asian, 0.0011%; no homozygotes.

Submission:

Labcorp Genetics (formerly Invitae), Labcorp
Classification: Uncertain significance. Last evaluated: 2021-05-18. Review status: criteria provided, single submitter. Criteria: Invitae Variant Classification Sherloc (09022015). Collection method: clinical testing. Allele origin: germline.
Comment: This sequence change replaces tryptophan with arginine at codon 343 of the RINT1 protein (p.Trp343Arg). The tryptophan residue is highly conserved and there is a moderate physicochemical difference between tryptophan and arginine. In summary, the available evidence is currently insufficient to determine the role of this variant in disease. Therefore, it has been classified as a Variant of Uncertain Significance. Algorithms developed to predict the effect of missense changes on protein structure and function are either unavailable or do not agree on the potential impact of this missense change (SIFT: "Deleterious"; PolyPhen-2: "Probably Damaging"; Align-GVGD: "Class C0"). This missense change has been observed in individual(s) with breast and/or ovarian cancer (PMID: 27544226). This variant is present in population databases (rs760416206, ExAC 0.002%).

Literature cited by the submitters: PubMed 27544226.